The following is an entry in ClinVar:

NM_001267550.2(TTN):c.14935+9C>T

Gene: TTN (titin; minus strand). Cytogenetic location: 2q31.2.
Variant type: single nucleotide variant.
Coding change: c.14935+9C>T on transcript NM_001267550.2 (MANE Select); 9 bases into the intron after coding-DNA position 14935, C replaced by T.
Molecular consequence: intron variant.
Genome position (GRCh38, 1-based): chr2:178,735,502, G>A on the plus strand (C>T on the coding strand, the complement: TTN is on the minus strand). VCF-style: chr2-178735502-G-A. GRCh37 (hg19) VCF-style: chr2-179600229-G-A.
Other names: p.?; c.13282+2580C>T (NM_003319.4); c.13858+2580C>T (NM_133437.4); c.13657+2580C>T (NM_133432.3); c.11203+9C>T (NM_133378.4); c.13984+9C>T (NM_001256850.1).
Identifiers: ClinVar variation 166222 (VCV000166222.28), dbSNP rs544241749, ClinGen allele CA295548.

ClinVar aggregate classification (germline): Benign/Likely benign. Review status: criteria provided, multiple submitters, no conflicts (2 of 4 stars). 11 submissions from 8 submitters: Benign (6); Likely benign (5). Last evaluated 2026-01-28.

Conditions:
TTN-related disorder. Also called: TTN-related disorders; TTN-related condition; TTN-related disease.
Dilated cardiomyopathy 1G (CMD1G). Identifiers: Orphanet 154, MedGen C1858763, MONDO:0011400, OMIM 604145.
Autosomal recessive limb-girdle muscular dystrophy type 2J (LGMDR10). Also called: MUSCULAR DYSTROPHY, LIMB-GIRDLE, AUTOSOMAL RECESSIVE 10; Limb-girdle muscular dystrophy, type 2J. Identifiers: Orphanet 140922, MedGen C1837342, MONDO:0012127, OMIM 608807.
Myopathy, myofibrillar, 9, with early respiratory failure (MFM9). Also called: Hereditary myopathy with early respiratory failure; EDSTROM MYOPATHY; Myopathy, distal, with early respiratory failure, autosomal dominant; MYOPATHY, PROXIMAL, WITH EARLY RESPIRATORY MUSCLE INVOLVEMENT. Identifiers: Orphanet 178464, Orphanet 34521, MedGen C1863599, MONDO:0011362, OMIM 603689.
Early-onset myopathy with fatal cardiomyopathy (CMYO5). Also called: CONGENITAL MYOPATHY 5 WITH CARDIOMYOPATHY; Salih Myopathy. Identifiers: Orphanet 289377, MedGen C2673677, MONDO:0012714, OMIM 611705. Disease mechanism: loss of function.
Tibial muscular dystrophy (TMD). Also called: Udd Distal Myopathy – Tibial Muscular Dystrophy; Tibial muscular dystrophy, tardive; UDD MYOPATHY. Identifiers: Orphanet 609, MedGen C1838244, MONDO:0010870, OMIM 600334.

Allele frequency attached by ClinVar (database versions not stated): gnomAD 0.00005 and 0.00004; gnomAD exomes 0.00002 and 0.00006; 1000 Genomes Project 0.00020; TOPMed 0.00002; 1000 Genomes Project 30x 0.00031; ExAC 0.00005.

Submissions (11):

Labcorp Genetics (formerly Invitae), Labcorp
Classification: Likely benign for Dilated cardiomyopathy 1G; Autosomal recessive limb-girdle muscular dystrophy type 2J. Last evaluated: 2026-01-28. Review status: criteria provided, single submitter. Criteria: Invitae Variant Classification Sherloc (09022015). Collection method: clinical testing. Allele origin: germline.

PreventionGenetics, part of Exact Sciences
Classification: Likely benign for TTN-related condition. Last evaluated: 2026-01-21. Review status: criteria provided, single submitter. Criteria: ACMG Guidelines, 2015. Collection method: clinical testing. Allele origin: germline.
Comment: This variant is classified as likely benign based on ACMG/AMP sequence variant interpretation guidelines (Richards et al. 2015 PMID: 25741868, with internal and published modifications).

Mayo Clinic Laboratories, Mayo Clinic
Classification: Likely benign. Last evaluated: 2025-01-28. Review status: criteria provided, single submitter. Criteria: ACMG Guidelines, 2015. Collection method: clinical testing. Allele origin: germline. Observed: 1 variant allele.
Comment: BP4, BP7

Blueprint Genetics
Classification: Likely benign. Last evaluated: 2024-10-14. Review status: criteria provided, single submitter. Criteria: ACMG Guidelines, 2015. Collection method: clinical testing. Allele origin: germline.

Genome-Nilou Lab
Classification: Benign for Autosomal recessive limb-girdle muscular dystrophy type 2J. Last evaluated: 2021-09-10. Review status: criteria provided, single submitter. Criteria: ACMG Guidelines, 2015. Collection method: clinical testing. Allele origin: germline. Affected: no.

Genome-Nilou Lab
Classification: Benign for Myopathy, myofibrillar, 9, with early respiratory failure. Last evaluated: 2021-09-10. Review status: criteria provided, single submitter. Criteria: ACMG Guidelines, 2015. Collection method: clinical testing. Allele origin: germline. Affected: no.

Genome-Nilou Lab
Classification: Benign for Early-onset myopathy with fatal cardiomyopathy. Last evaluated: 2021-09-10. Review status: criteria provided, single submitter. Criteria: ACMG Guidelines, 2015. Collection method: clinical testing. Allele origin: germline. Affected: no.

Genome-Nilou Lab
Classification: Benign for Tibial muscular dystrophy. Last evaluated: 2021-09-10. Review status: criteria provided, single submitter. Criteria: ACMG Guidelines, 2015. Collection method: clinical testing. Allele origin: germline. Affected: no.

ARUP Laboratories, Molecular Genetics and Genomics, ARUP Laboratories
Classification: Benign. Last evaluated: 2019-03-01. Review status: criteria provided, single submitter. Criteria: ARUP Molecular Germline Variant Investigation Process. Collection method: clinical testing. Allele origin: germline.

GeneDx
Classification: Benign. Last evaluated: 2014-12-19. Review status: criteria provided, single submitter. Criteria: GeneDx Variant Classification (06012015). Collection method: clinical testing. Allele origin: germline. Affected: yes.
Comment: This variant is considered likely benign or benign based on one or more of the following criteria: it is a conservative change, it occurs at a poorly conserved position in the protein, it is predicted to be benign by multiple in silico algorithms, and/or has population frequency not consistent with disease.

Laboratory for Molecular Medicine, Mass General Brigham Personalized Medicine
Classification: Likely benign. Last evaluated: 2014-05-01. Review status: criteria provided, single submitter. Criteria: LMM Criteria. Collection method: clinical testing. Allele origin: germline. Observed: 1 variant allele.
Comment: 11203+9C>T in intron 47 of TTN: This variant is not expected to have clinical si gnificance because it is not located within the splice consensus sequence.